The following is an entry in ClinVar:

ClinVar aggregate classification (germline): Likely benign (0 of 4 stars; one submission).

Conditions:
PKD1-related disorder. Also called: PKD1-related condition.

Allele frequency attached by ClinVar (database versions not stated): gnomAD 0.00001.
gnomAD v4.1: 13 of 1,608,980 alleles (0.00081%); highest among the groups gnomAD compares: African/African-American, 0.0053%; no homozygotes.

Submission:

PreventionGenetics, part of Exact Sciences
Classification: Likely benign for PKD1-related condition. Last evaluated: 2019-08-09. Review status: no assertion criteria provided. Collection method: clinical testing. Allele origin: germline.
Comment: This variant is classified as likely benign based on ACMG/AMP sequence variant interpretation guidelines (Richards et al. 2015 PMID: 25741868, with internal and published modifications).

NM_001009944.3(PKD1):c.9398-5C>T

Gene: PKD1 (polycystin 1, transient receptor potential channel interacting; minus strand). Cytogenetic location: 16p13.3.
Variant type: single nucleotide variant.
Coding change: c.9398-5C>T on transcript NM_001009944.3 (MANE Select); 5 bases into the intron before coding-DNA position 9398, C replaced by T.
Molecular consequence: intron variant.
Genome position (GRCh38, 1-based): chr16:2,100,571, G>A on the plus strand (C>T on the coding strand, the complement: PKD1 is on the minus strand). VCF-style: chr16-2100571-G-A. GRCh37 (hg19) VCF-style: chr16-2150572-G-A.
Other names: c.9398-5C>T (NM_000296.4).
Identifiers: ClinVar variation 3035312 (VCV003035312.2), dbSNP rs778285879, ClinGen allele CA7830098.